The following is an entry in ClinVar:

ClinVar aggregate classification (germline): Likely benign. Review status: criteria provided, single submitter (1 of 4 stars). 2 submissions from 2 submitters: Likely benign (1). 1 of the submissions does not count toward it. Last evaluated 2025-07-30.

Conditions:
MKKS-related disorder. Also called: MKKS-related condition; MKKS-related disorders.
Bardet-Biedl syndrome (BBS). Identifiers: Orphanet 110, MedGen C0752166, MONDO:0015229.
McKusick-Kaufman syndrome (MKKS). Also called: HYDROMETROCOLPOS SYNDROME; HYDROMETROCOLPOS, POSTAXIAL POLYDACTYLY, AND CONGENITAL HEART MALFORMATION. Identifiers: Orphanet 2473, MedGen C0948368, MONDO:0009367, OMIM 236700.

gnomAD v4.1: 1 of 1,614,080 alleles (0.000062%); highest among the groups gnomAD compares: African/African-American, 0.0013%; no homozygotes.

Submissions (2):

Labcorp Genetics (formerly Invitae), Labcorp
Classification: Likely benign for McKusick-Kaufman syndrome; Bardet-Biedl syndrome. Last evaluated: 2025-07-30. Review status: criteria provided, single submitter. Criteria: Invitae Variant Classification Sherloc (09022015). Collection method: clinical testing. Allele origin: germline.

PreventionGenetics, part of Exact Sciences
Classification: Likely benign for MKKS-related condition. Last evaluated: 2024-07-11. Review status: no assertion criteria provided. Collection method: clinical testing. Allele origin: germline. Not counted in ClinVar's aggregate classification.
Comment: This variant is classified as likely benign based on ACMG/AMP sequence variant interpretation guidelines (Richards et al. 2015 PMID: 25741868, with internal and published modifications).

NM_170784.3(MKKS):c.354A>G (p.Arg118=)

Gene: MKKS (MKKS centrosomal shuttling protein; minus strand). Cytogenetic location: 20p12.2.
Variant type: single nucleotide variant.
Coding change: c.354A>G on transcript NM_170784.3 (MANE Select); coding-DNA position 354, A replaced by G.
Protein change: p.Arg118=; no amino-acid change (arginine 118 retained).
Molecular consequence: synonymous variant.
Genome position (GRCh38, 1-based): chr20:10,413,161, T>C on the plus strand (A>G on the coding strand, the complement: MKKS is on the minus strand). VCF-style: chr20-10413161-T-C. GRCh37 (hg19) VCF-style: chr20-10393809-T-C.
Other names: c.354A>G, p.Arg118= (NM_018848.3).
Identifiers: ClinVar variation 3347254 (VCV003347254.2).